The following is an entry in ClinVar:

NM_001261826.3(AP3D1):c.1911G>T (p.Glu637Asp)

Gene: AP3D1 (adaptor related protein complex 3 subunit delta 1; minus strand). Cytogenetic location: 19p13.3.
Variant type: single nucleotide variant.
Coding change: c.1911G>T on transcript NM_001261826.3 (MANE Select); coding-DNA position 1911, G replaced by T.
Protein change: p.Glu637Asp; replaces glutamic acid 637 with aspartic acid.
Molecular consequence: missense variant.
Genome position (GRCh38, 1-based): chr19:2,116,695, C>A on the plus strand (G>T on the coding strand, the complement: AP3D1 is on the minus strand). VCF-style: chr19-2116695-C-A. GRCh37 (hg19) VCF-style: chr19-2116694-C-A.
Other names: c.1911G>T, p.Glu637Asp (NM_001374799.1, NM_003938.8); short protein forms E637D.
Identifiers: ClinVar variation 2805008 (VCV002805008.3), dbSNP rs2018462829, ClinGen allele CA403216861.

ClinVar aggregate classification (germline): Uncertain significance (1 of 4 stars; one submission).

Allele frequency attached by ClinVar (database versions not stated): gnomAD exomes 0.00001.
gnomAD v4.1: 9 of 1,611,170 alleles (0.00056%); highest among the groups gnomAD compares: Non-Finnish European, 0.00076%; no homozygotes.

Submission:

Labcorp Genetics (formerly Invitae), Labcorp
Classification: Uncertain significance. Last evaluated: 2023-09-04. Review status: criteria provided, single submitter. Criteria: Invitae Variant Classification Sherloc (09022015). Collection method: clinical testing. Allele origin: germline.
Comment: In summary, the available evidence is currently insufficient to determine the role of this variant in disease. Therefore, it has been classified as a Variant of Uncertain Significance. An algorithm developed to predict the effect of missense changes on protein structure and function (PolyPhen-2) suggests that this variant is likely to be tolerated. This variant has not been reported in the literature in individuals affected with AP3D1-related conditions. This variant is not present in population databases (gnomAD no frequency). This sequence change replaces glutamic acid, which is acidic and polar, with aspartic acid, which is acidic and polar, at codon 637 of the AP3D1 protein (p.Glu637Asp).